The following is an entry in ClinVar:

ClinVar aggregate classification (germline): Benign (1 of 4 stars; one submission).

Conditions:
Diaphyseal medullary stenosis-bone malignancy syndrome. Also called: MYOPATHY, LIMB-GIRDLE, WITH BONE FRAGILITY; BONE DYSPLASIA WITH MALIGNANT FIBROUS HISTIOCYTOMA; BONE DYSPLASIA WITH MEDULLARY FIBROSARCOMA. Identifiers: Orphanet 85182, MedGen C1862177, MONDO:0007205, OMIM 112250.

Allele frequency attached by ClinVar (database versions not stated): gnomAD 0.00907 and 0.00835; TOPMed 0.00949; gnomAD exomes 0.00085; 1000 Genomes Project 0.00639; 1000 Genomes Project 30x 0.00687.
gnomAD v4.1: 1,925 of 921,584 alleles (0.21%); highest among the groups gnomAD compares: African/African-American, 3%; 29 homozygotes.

Submission:

Illumina Laboratory Services, Illumina
Classification: Benign for Diaphyseal medullary stenosis-bone malignancy syndrome. Last evaluated: 2018-01-12. Review status: criteria provided, single submitter. Criteria: ICSL Variant Classification Criteria 13 December 2019. Collection method: clinical testing. Allele origin: germline.
Comment: This variant was observed in the ICSL laboratory as part of a predisposition screen in an ostensibly healthy population. It had not been previously curated by ICSL or reported in the Human Gene Mutation Database (HGMD: prior to June 1st, 2018), and was therefore a candidate for classification through an automated scoring system. Utilizing variant allele frequency, disease prevalence and penetrance estimates, and inheritance mode, an automated score was calculated to assess if this variant is too frequent to cause the disease. Based on the score and internal cut-off values, a variant classified as benign is not then subjected to further curation. The score for this variant resulted in a classification of benign for this disease.

NM_002451.4(MTAP):c.*3144G>A

Gene: MTAP (methylthioadenosine phosphorylase; plus strand). Cytogenetic location: 9p21.3.
Variant type: single nucleotide variant.
Coding change: c.*3144G>A on transcript NM_002451.4 (MANE Select); 3144 bases downstream of the stop codon, G replaced by A.
Molecular consequence: 3 prime UTR variant.
Genome position (GRCh38, 1-based): chr9:21,865,158, G>A. VCF-style: chr9-21865158-G-A. GRCh37 (hg19) VCF-style: chr9-21865157-G-A.
Identifiers: ClinVar variation 366308 (VCV000366308.5), dbSNP rs148910202, ClinGen allele CA10633556.